The following is an entry in ClinVar:

ClinVar aggregate classification (germline): Uncertain significance. Review status: criteria provided, multiple submitters, no conflicts (2 of 4 stars). 2 submissions from 2 submitters: Uncertain significance (2). Last evaluated 2025-08-30.

Conditions:
Loeys-Dietz syndrome 2 (LDS2). Also called: TGFBR2-Related Loeys-Dietz Syndrome; AORTIC ANEURYSM, FAMILIAL THORACIC 3; MARFAN SYNDROME, TYPE II; Marfan Syndrome type 2; Marfan like connective tissue disorder; MFS 2. Identifiers: Orphanet 284973, Orphanet 558, MedGen C2674574, MONDO:0012427, OMIM 610168.

Allele frequency attached by ClinVar (database versions not stated): TOPMed below 0.00001; gnomAD 0.00001; gnomAD exomes 0.00001.
gnomAD v4.1: 7 of 1,613,884 alleles (0.00043%); highest among the groups gnomAD compares: Admixed American, 0.0033%; no homozygotes.

Submissions (2):

Ambry Genetics
Classification: Uncertain significance. Last evaluated: 2025-08-30. Review status: criteria provided, single submitter. Criteria: Ambry Variant Classification Scheme 2023. Collection method: clinical testing. Allele origin: germline.
Comment: The p.V648A variant (also known as c.1943T>C), located in coding exon 4 of the TMPO gene, results from a T to C substitution at nucleotide position 1943. The valine at codon 648 is replaced by alanine, an amino acid with similar properties. This amino acid position is conserved. In addition, this alteration is predicted to be tolerated by in silico analysis. Based on the available evidence, the clinical significance of this variant remains unclear.

Labcorp Genetics (formerly Invitae), Labcorp
Classification: Uncertain significance for Loeys-Dietz syndrome 2. Last evaluated: 2022-05-02. Review status: criteria provided, single submitter. Criteria: Invitae Variant Classification Sherloc (09022015). Collection method: clinical testing. Allele origin: germline.
Comment: This variant is present in population databases (no rsID available, gnomAD 0.003%). In summary, the available evidence is currently insufficient to determine the role of this variant in disease. Therefore, it has been classified as a Variant of Uncertain Significance. Algorithms developed to predict the effect of missense changes on protein structure and function output the following: SIFT: "Deleterious"; PolyPhen-2: "Benign"; Align-GVGD: "Class C0". The alanine amino acid residue is found in multiple mammalian species, which suggests that this missense change does not adversely affect protein function. This variant has not been reported in the literature in individuals affected with TMPO-related conditions. This sequence change replaces valine, which is neutral and non-polar, with alanine, which is neutral and non-polar, at codon 648 of the TMPO protein (p.Val648Ala).

NM_001032283.3(TMPO):c.565+2362T>C

Gene: TMPO (thymopoietin; plus strand). Cytogenetic location: 12q23.1.
Variant type: single nucleotide variant.
Coding change: c.565+2362T>C on transcript NM_001032283.3 (MANE Select); 2362 bases into the intron after coding-DNA position 565, T replaced by C.
Molecular consequence: intron variant. On other transcripts: missense variant (1).
Genome position (GRCh38, 1-based): chr12:98,534,200, T>C. VCF-style: chr12-98534200-T-C. GRCh37 (hg19) VCF-style: chr12-98927978-T-C.
Other names: c.1943T>C, p.Val648Ala (NM_003276.2); c.565+2362T>C (NM_001307975.2, NM_001032284.3); short protein forms V648A.
Identifiers: ClinVar variation 2188835 (VCV002188835.5), dbSNP rs1439982638, ClinGen allele CA386154269.